The following is an entry in ClinVar:

ClinVar aggregate classification (germline): Pathogenic (1 of 4 stars; one submission).

Conditions:
Hereditary cancer-predisposing syndrome. Also called: Neoplastic Syndromes, Hereditary; Tumor predisposition; Hereditary Cancer Syndrome; Hereditary neoplastic syndrome. Identifiers: Orphanet 140162, MedGen C0027672, MeSH D009386, MONDO:0015356.

Submission:

Ambry Genetics
Classification: Pathogenic for Hereditary cancer-predisposing syndrome. Last evaluated: 2019-03-14. Review status: criteria provided, single submitter. Criteria: Ambry Variant Classification Scheme 2023. Collection method: clinical testing. Allele origin: germline.
Comment: The c.1946delA pathogenic mutation, located in coding exon 14 of the APC gene, results from a deletion of one nucleotide at nucleotide position 1946, causing a translational frameshift with a predicted alternate stop codon (p.N649Mfs*8). This alteration is expected to result in loss of function by premature protein truncation or nonsense-mediated mRNA decay. As such, this alteration is interpreted as a disease-causing mutation.

NM_000038.6(APC):c.1946del (p.Asn649fs)

Gene: APC (APC regulator of Wnt signaling pathway; plus strand). Cytogenetic location: 5q22.2.
Variant type: Deletion.
Coding change: c.1946del on transcript NM_000038.6 (MANE Select); coding-DNA position 1946, one base deleted (A; older notation c.1946delA).
Protein change: p.Asn649fs; shifts the reading frame from asparagine 649.
Molecular consequence: frameshift variant.
Genome position (GRCh38, 1-based): chr5:112,835,153, A deleted; the last of 3 consecutive A bases (chr5:112,835,151-112,835,153); deleting any one gives the same sequence. VCF-style (leftmost placement, unchanged base first): chr5-112835150-CA-C. GRCh37 (hg19) VCF-style: chr5-112170847-CA-C.
Other names: c.1946del, p.Asn649fs (NM_001127510.3, NM_001354895.2); c.1892del, p.Asn631fs (NM_001127511.3); c.2000del, p.Asn667fs (NM_001354896.2); c.1976del, p.Asn659fs (NM_001354897.2); c.1871del, p.Asn624fs (NM_001354898.2); c.1862del, p.Asn621fs (NM_001354899.2); c.1823del, p.Asn608fs (NM_001354900.2); c.1769del, p.Asn590fs (NM_001354901.2); and 5 more; short protein forms N366fs, N548fs, N523fs, N558fs, N590fs, N624fs, N489fs, N608fs.
Identifiers: ClinVar variation 820395 (VCV000820395.4), dbSNP rs1580605254, ClinGen allele CA915942608.
Genomic context (GRCh38, chr5:112,835,150, plus strand): 5'-CTTTAGCCATTATTGAAAGTGGAGGTGGGATATTACGGAATGTGTCCAGCTTGATAGCTA[CA>C]AATGAGGACCACAGGTATATATAGAGTTTTATATTACTTTTAAAGTACAGAATTCATACT-3'